The following is an entry in ClinVar:

NM_003238.6(TGFB2):c.964C>T (p.Leu322Phe)

Gene: TGFB2 (transforming growth factor beta 2; plus strand). Cytogenetic location: 1q41.
Variant type: single nucleotide variant.
Coding change: c.964C>T on transcript NM_003238.6 (MANE Select); coding-DNA position 964, C replaced by T.
Protein change: p.Leu322Phe; replaces leucine 322 with phenylalanine.
Molecular consequence: missense variant. On other transcripts: non-coding transcript variant (2).
Genome position (GRCh38, 1-based): chr1:218,437,374, C>T. VCF-style: chr1-218437374-C-T. GRCh37 (hg19) VCF-style: chr1-218610716-C-T.
Other names: c.1048C>T, p.Leu350Phe (NM_001135599.4); short protein forms L322F, L350F.
Identifiers: ClinVar variation 1308043 (VCV001308043.3), dbSNP rs2102630024, ClinGen allele CA344727454.
Genomic context (GRCh38, chr1:218,437,374, plus strand): 5'-CCATTGCTTTTTTTTTTTTTTTTTAACAGAAATGTGCAGGATAATTGCTGCCTACGTCCA[C>T]TTTACATTGATTTCAAGAGGGATCTAGGGTGGAAATGGATACACGAACCCAAAGGGTACA-3'
Protein context (NP_003229.1, residues 312-332): NVQDNCCLRP[Leu322Phe]YIDFKRDLGW

ClinVar aggregate classification (germline): Uncertain significance. Review status: criteria provided, multiple submitters, no conflicts (2 of 4 stars). 2 submissions from 2 submitters: Uncertain significance (2). Last evaluated 2025-06-28.

Conditions:
Familial thoracic aortic aneurysm and aortic dissection (TAAD). Also called: Thoracic aortic aneurysms and dissections. Identifiers: Orphanet 91387, MedGen C4707243, MONDO:0019625.

Allele frequency attached by ClinVar (database versions not stated): gnomAD 0.00001; 1000 Genomes Project 30x 0.00031.
gnomAD v4.1: 2 of 1,605,942 alleles (0.00012%); highest among the groups gnomAD compares: African/African-American, 0.0014%; no homozygotes.

Submissions (2):

Ambry Genetics
Classification: Uncertain significance for Familial thoracic aortic aneurysm and aortic dissection. Last evaluated: 2025-06-28. Review status: criteria provided, single submitter. Criteria: Ambry Variant Classification Scheme 2023. Collection method: clinical testing. Allele origin: germline.
Comment: The p.L322F variant (also known as c.964C>T), located in coding exon 6 of the TGFB2 gene, results from a C to T substitution at nucleotide position 964. The leucine at codon 322 is replaced by phenylalanine, an amino acid with highly similar properties. This amino acid position is conserved. In addition, the in silico prediction for this alteration is inconclusive. Based on the available evidence, the clinical significance of this variant remains unclear.

GeneDx
Classification: Uncertain significance. Last evaluated: 2019-03-13. Review status: criteria provided, single submitter. Criteria: GeneDx Variant Classification Process June 2021. Collection method: clinical testing. Allele origin: germline. Affected: yes.
Comment: Has not been previously reported as pathogenic or benign to our knowledge; Not observed in large population cohorts (Lek et al., 2016); In silico analysis, which includes protein predictors and evolutionary conservation, supports a deleterious effect